The following is an entry in ClinVar:

NM_006005.3(WFS1):c.2648_2651del (p.Phe883fs)

Gene: WFS1 (wolframin ER transmembrane glycoprotein; plus strand). Cytogenetic location: 4p16.1.
Variant type: Deletion.
Coding change: c.2648_2651del on transcript NM_006005.3 (MANE Select); coding-DNA positions 2648 to 2651, 4 bases deleted (TCTT; older notation c.2648_2651delTCTT).
Protein change: p.Phe883fs; shifts the reading frame from phenylalanine 883.
Molecular consequence: frameshift variant.
Genome position (GRCh38, 1-based): chr4:6,302,443-6,302,446, TCTT deleted; deleting any 4 consecutive bases within chr4:6,302,441-6,302,446 gives the same sequence; the c. name uses the placement nearest the transcript's 3' end. VCF-style (leftmost placement, unchanged base first): chr4-6302440-TTTTC-T. GRCh37 (hg19) VCF-style: chr4-6304167-TTTTC-T.
Other names: c.2648_2651del, p.Phe883fs (NM_001145853.1); c.2648_2651delTCTT (NM_006005.3); short protein forms F883fs.
Identifiers: ClinVar variation 209207 (VCV000209207.62), dbSNP rs797045076, ClinGen allele CA276185.
Genomic context (GRCh38, chr4:6,302,440, plus strand): 5'-AGATCGAGCACGACTGGCGCAGCACCGTGCATGGCGCCGTGAAGTTCGCCTTCGACTTCT[TTTTC>T]TTCCCATTCCTGTCGGCGGCCTGAGGATGGTCCGCCACGAGGAGCTTCCAGTGCATGTTG-3'

ClinVar aggregate classification (germline): Pathogenic/Likely pathogenic. Review status: criteria provided, multiple submitters, no conflicts (2 of 4 stars). 16 submissions from 16 submitters: Pathogenic (12); Likely pathogenic (1). 3 of the submissions do not count toward it. Last evaluated 2026-05-06.

Conditions:
Wolfram-like syndrome. Also called: HEARING LOSS, PROGRESSIVE, WITH OPTIC ATROPHY AND/OR IMPAIRED GLUCOSE REGULATION. Identifiers: Orphanet 411590, MedGen C3280358, MONDO:0013673, OMIM 614296.
Wolfram syndrome 1 (WFS1). Identifiers: Orphanet 3463, MedGen C4551693, MONDO:0009101, OMIM 222300.
Autosomal dominant nonsyndromic hearing loss 6 (LFSNHL). Also called: DEAFNESS, AUTOSOMAL DOMINANT 6; DEAFNESS, AUTOSOMAL DOMINANT 14; DEAFNESS, AUTOSOMAL DOMINANT 38; Autosomal dominant nonsyndromic deafness 6. Identifiers: Orphanet 90635, MedGen C1833021, MONDO:0010963, OMIM 600965.
Type 2 diabetes mellitus. Also called: Type II diabetes mellitus. Identifiers: MedGen C0011860, MeSH D003924, MONDO:0005148, OMIM 125853, HP:0005978.
Cataract 41 (CTRCT41). Also called: CATARACT 41, CONGENITAL NUCLEAR TYPE. Identifiers: Orphanet 91492, Orphanet 98991, Orphanet 98992, Orphanet 98995, MedGen C3805412, MONDO:0007287, OMIM 116400.
Optic neuropathy. Also called: Optic nerve disorder. Identifiers: MedGen C3887709, MONDO:0002135, HP:0001138.
WFS1-related disorder. Identifiers: MedGen CN379391, MONDO:0700293.

Submissions 1 to 9 of 16:

North West Genomic Laboratory Hub, Manchester University NHS Foundation Trust
Classification: Pathogenic for Optic neuropathy. Last evaluated: 2026-05-06. Review status: criteria provided, single submitter. Criteria: ACGS Best Practice Guidelines for Variant Classification in Rare Disease 2024. Collection method: clinical testing. Allele origin: germline. Affected: yes.
Comment: PM2_Mod PM4_Mod PM3_VStr

Clinical Genomics Laboratory, Washington University in St. Louis
Classification: Pathogenic for Wolfram-like syndrome; Wolfram syndrome 1. Last evaluated: 2026-01-02. Review status: criteria provided, single submitter. Criteria: ACMG Guidelines, 2015. Collection method: clinical testing. Allele origin: germline. Affected: yes.
Comment: The WFS1 c.2648_2651del (p.Phe883Serfs*68) variant, also described in the literature as 2646-2649del, has been reported in several individuals affected with autosomal recessive Wolfram syndrome, all in the homozygous or confirmed or suspected compound heterozygous state with an additional pathogenic or likely pathogenic variant (Astuti D et al., PMID: 28432734; Hansen L et al., PMID: 16151413; Hardy C et al., PMID: 10521293; Marshall BA et al., PMID: 23981289; Rohayem J et al., PMID: 21602428; Sam W et al., PMID: 11260218). This variant has been reported in the ClinVar database as a germline pathogenic variant by nine submitters and a likely pathogenic variant by three submitters. This variant is only observed on 26/281,428 alleles in the general population (gnomAD v2.1.1), indicating it is not a common variant. This variant causes a frameshift by deleting four nucleotides, leading to a frameshift; however, because this occurs in the last exon, this is not predicted to lead to nonsense mediated decay. Based on available information and the ACMG/AMP guidelines for variant interpretation (Richards S et al., PMID: 25741868), this variant is classified as pathogenic.

Labcorp Genetics (formerly Invitae), Labcorp
Classification: Pathogenic. Last evaluated: 2025-11-09. Review status: criteria provided, single submitter. Criteria: Invitae Variant Classification Sherloc (09022015). Collection method: clinical testing. Allele origin: germline.
Comment: This sequence change is expected to alter the c-terminus of the WFS1 protein (p.Phe883Serfs*68). While this is not anticipated to result in nonsense mediated decay, it is expected to disrupt the last 8 amino acid(s) of the WFS1 protein and extend the protein by 59 additional amino acid residues. This variant is present in population databases (rs772120569, gnomAD 0.02%). This frameshift has been observed in individuals with autosomal recessive Wolfram syndrome (PMID: 10521293, 11260218, 16151413, 28432734). This variant is also known as 2646-2649del. ClinVar contains an entry for this variant (Variation ID: 209207). For these reasons, this variant has been classified as Pathogenic.

PreventionGenetics, part of Exact Sciences
Classification: Pathogenic for WFS1-related condition. Last evaluated: 2024-12-26. Review status: criteria provided, single submitter. Criteria: ACMG Guidelines, 2015. Collection method: clinical testing. Allele origin: germline.
Comment: The WFS1 c.2648_2651delTCTT variant is predicted to result in a frameshift and premature protein termination (p.Phe883Serfs*68). This variant has been documented to be causative for autosomal recessive Wolfram syndrome (Hardy et al.1999. PubMed ID: 10521293; Rohayem et al. 2011. PubMed ID: 21602428; Ross-Cisneros et al. 2013. PubMed ID: 23748048; Scaramuzzi et al. 2019. PubMed ID: 30507261). This variant is reported in 0.020% of alleles in individuals of European (Non-Finnish) descent in gnomAD. Frameshift variants in WFS1 are expected to be pathogenic. This variant is interpreted as pathogenic.

Blueprint Genetics
Classification: Pathogenic for WFS1-related disorders. Last evaluated: 2023-02-24. Review status: criteria provided, single submitter. Criteria: ACMG Guidelines, 2015. Collection method: clinical testing. Allele origin: germline. Affected: yes. Observed: 5 variant alleles.

GeneDx
Classification: Pathogenic. Last evaluated: 2022-12-27. Review status: criteria provided, single submitter. Criteria: GeneDx Variant Classification Process June 2021. Collection method: clinical testing. Allele origin: germline. Affected: yes.
Comment: Frameshift variant predicted to result in protein truncation or nonsense mediated decay in a gene for which loss of function is a known mechanism of disease; This variant is associated with the following publications: (PMID: 11260218, 26633545, 10521293, 16151413, 26875006, 30507261, 33841295, 23748048)

Laboratorio de Genetica e Diagnostico Molecular, Hospital Israelita Albert Einstein
Classification: Pathogenic for Wolfram syndrome 1. Last evaluated: 2022-09-08. Review status: criteria provided, single submitter. Criteria: ACMG Guidelines, 2015. Collection method: clinical testing. Allele origin: germline. Affected: yes. Observed: 1 variant allele.
Comment: ACMG classification criteria: PVS1 very strong, PS4 strong, PM3 very strong, PP1 strong

Pittsburgh Clinical Genomics Laboratory, University of Pittsburgh Medical Center
Classification: Pathogenic for Wolfram syndrome 1. Last evaluated: 2022-03-24. Review status: criteria provided, single submitter. Criteria: ACMG Guidelines, 2015. Collection method: clinical testing. Allele origin: germline. Inheritance: Autosomal unknown. Affected: yes.
Comment: This sequence variant is a 4 nucleotide deletion (delTCTT) in exon 8 of 8 in the WFS1 gene that causes a frameshift at codon 883, elimites the canonical stop codon, and introduces 68 novel amino acids to the end of the WFS1-encoded protein, wolframin. This variant is predicted to alter the structure of the wolframin endoplasmic reticulum lumen domain (PMID: 10521293), which is critical for wolframin's function. This is a previously reported variant (ClinVar) that has been observed to segregate in families and individuals affected by Wolfram syndrome in both the homozygous and compound heterozygous states (PMID: 10521293, 1615141, 15605410, 11260218, 16151413, 28432734, 34006618). This variant is rare in control population datasets (gnomAD database, 26 of 281,428 alleles, 0.009%). Functiol studies provide contradictory evidence on the effect this variant has on mR expression and the endoplasmic reticulum stress response but suggest that this variant destabilizes wolframin, leading to its degradation and the death of the cell (PMID: 33879153, 34006618). Given this evidence, we consider this a pathogenic variant. ACMG Criteria: PM3, PS3, PVS1

Fulgent Genetics
Classification: Pathogenic for Cataract 41; Type 2 diabetes mellitus; Wolfram syndrome 1; Autosomal dominant nonsyndromic hearing loss 6; Wolfram-like syndrome. Last evaluated: 2021-06-30. Review status: criteria provided, single submitter. Criteria: ACMG Guidelines, 2015. Collection method: clinical testing. Allele origin: unknown.
Comment: This variant has been detected in individual(s) who were sent for testing of Renasight - kidney gene panel.